The following is an entry in ClinVar:

NM_000059.4(BRCA2):c.6641dup (p.Tyr2215fs)

Gene: BRCA2 (BRCA2 DNA repair associated; plus strand). Cytogenetic location: 13q13.1.
Variant type: Duplication.
Coding change: c.6641dup on transcript NM_000059.4 (MANE Select); coding-DNA position 6641, one base duplicated (C; older notation c.6641dupC).
Protein change: p.Tyr2215fs; shifts the reading frame from tyrosine 2215.
Molecular consequence: frameshift variant.
Genome position (GRCh38, 1-based): chr13:32,340,996, C duplicated. VCF-style (leftmost placement, unchanged base first): chr13-32340995-A-AC. GRCh37 (hg19) VCF-style: chr13-32915132-A-AC.
Other names: 6869insC; c.6641dupC (NM_000059.3); short protein forms Y2215fs.
Identifiers: ClinVar variation 38059 (VCV000038059.66), dbSNP rs80359613, ClinGen allele CA024243.

ClinVar aggregate classification (germline): Pathogenic. Review status: reviewed by expert panel (3 of 4 stars). 17 submissions from 17 submitters: Pathogenic (1). 16 of the submissions do not count toward it. Last evaluated 2016-04-22.

Conditions:
BRCA2-related disorder. Also called: BRCA2-related condition; BRCA2-related disorders. Identifiers: MedGen CN239275.
Hereditary cancer-predisposing syndrome. Also called: Neoplastic Syndromes, Hereditary; Tumor predisposition; Hereditary Cancer Syndrome; Hereditary neoplastic syndrome. Identifiers: Orphanet 140162, MedGen C0027672, MeSH D009386, MONDO:0015356.
Hereditary breast ovarian cancer syndrome. Also called: Hereditary breast and ovarian cancer; Breast and ovarian cancer; Hereditary breast and/or ovarian cancer syndrome; Hereditary breast and ovarian cancer syndrome (HBOC); Hereditary breast and ovarian cancer syndrome; BRCA1- and BRCA2-Associated Hereditary Breast and Ovarian Cancer. Identifiers: Orphanet 145, MedGen C0677776, MeSH D061325, MONDO:0003582. Disease mechanism: loss of function.
Breast-ovarian cancer, familial, susceptibility to, 2 (BROVCA2). Also called: BRCA2 Hereditary Breast and Ovarian Cancer. Identifiers: Orphanet 145, MedGen C2675520, MONDO:0012933, OMIM 612555. Disease mechanism: loss of function.
Breast-ovarian cancer, familial, susceptibility to, 1 (BROVCA1). Also called: OVARIAN CANCER, SUSCEPTIBILITY TO; BRCA1 Hereditary Breast and Ovarian Cancer. Identifiers: Orphanet 145, MedGen C2676676, MONDO:0011450, OMIM 604370. Disease mechanism: loss of function.
Familial cancer of breast. Also called: BREAST CANCER, FAMILIAL; Hereditary breast cancer; hereditary breast carcinoma. Identifiers: Orphanet 227535, MedGen C0346153, MONDO:0016419, OMIM 114480. Disease mechanism: loss of function.

Submissions (17):

Evidence-based Network for the Interpretation of Germline Mutant Alleles (ENIGMA)
Classification: Pathogenic for Breast-ovarian cancer, familial, susceptibility to, 2. Last evaluated: 2016-04-22. Review status: reviewed by expert panel. Criteria: ENIGMA BRCA1/2 Classification Criteria (2015). Collection method: curation. Allele origin: germline.
Comment: Variant allele predicted to encode a truncated non-functional protein.

Women's Health and Genetics/Laboratory Corporation of America, LabCorp
Classification: Pathogenic for Hereditary breast ovarian cancer syndrome. Last evaluated: 2026-01-06. Review status: criteria provided, single submitter. Criteria: LabCorp Variant Classification Summary - May 2015. Collection method: clinical testing. Allele origin: germline. Not counted in ClinVar's aggregate classification.
Comment: Variant summary: BRCA2 c.6641dupC (p.Tyr2215LeufsX10) results in a premature termination codon, predicted to cause a truncation of the encoded protein or absence of the protein due to nonsense mediated decay, which are commonly known mechanisms for disease. The variant was absent in 249382 control chromosomes. c.6641dupC has been observed in individual(s) undergoing genetic testing for Hereditary Breast And Ovarian Cancer Syndrome (example, Tea_2014). The following publication has been ascertained in the context of this evaluation (PMID: 24156927). ClinVar contains an entry for this variant (Variation ID: 38059). Based on the evidence outlined above, the variant was classified as pathogenic.

Labcorp Genetics (formerly Invitae), Labcorp
Classification: Pathogenic for Hereditary breast ovarian cancer syndrome. Last evaluated: 2025-10-25. Review status: criteria provided, single submitter. Criteria: Invitae Variant Classification Sherloc (09022015). Collection method: clinical testing. Allele origin: germline. Not counted in ClinVar's aggregate classification.
Comment: This sequence change creates a premature translational stop signal (p.Tyr2215Leufs*10) in the BRCA2 gene. It is expected to result in an absent or disrupted protein product. Loss-of-function variants in BRCA2 are known to be pathogenic (PMID: 20104584). This variant is not present in population databases (gnomAD no frequency). This premature translational stop signal has been observed in individual(s) with breast and/or ovarian cancer (PMID: 22366370, 22923021, 24156927). This variant is also known as c.6641insC (p.Thr2214Asnfs*10). ClinVar contains an entry for this variant (Variation ID: 38059). For these reasons, this variant has been classified as Pathogenic.

Center for Genomic Medicine, Rigshospitalet, Copenhagen University Hospital
Classification: Pathogenic. Last evaluated: 2025-03-04. Review status: criteria provided, single submitter. Criteria: ACMG Guidelines, 2015. Collection method: clinical testing. Allele origin: germline. Not counted in ClinVar's aggregate classification.

CeGaT Center for Human Genetics Tuebingen
Classification: Pathogenic. Last evaluated: 2024-03-01. Review status: criteria provided, single submitter. Criteria: CeGaT Center For Human Genetics Tuebingen Variant Classification Criteria Version 2. Collection method: clinical testing. Allele origin: germline. Affected: yes. Observed: 1 variant allele. Not counted in ClinVar's aggregate classification.
Comment: BRCA2: PVS1, PM2, PS4:Moderate

All of Us Research Program, National Institutes of Health
Classification: Pathogenic for Breast-ovarian cancer, familial, susceptibility to, 2. Last evaluated: 2023-10-23. Review status: criteria provided, single submitter. Criteria: ACMG Guidelines, 2015. Collection method: clinical testing. Allele origin: germline. Inheritance: Autosomal dominant inheritance. Observed: 2 variant alleles, 2 heterozygotes. Not counted in ClinVar's aggregate classification.
Comment: This variant inserts 1 nucleotide in exon 11 of the BRCA2 gene, creating a frameshift and premature translation stop signal. This variant is expected to result in an absent or non-functional protein product. This variant has been reported in multiple individuals with a personal or family history of prostate, breast, and/or ovarian cancer (PMID: 22366370, 24156927, 29446198, 33471991, DOI 10.20471/LO.2023.51.01.02). This variant has not been identified in the general population by the Genome Aggregation Database (gnomAD). Loss of BRCA2 function is a known mechanism of disease. Based on the available evidence, this variant is classified as Pathogenic.

This study involves interpretation of variants in research participants for the purpose of population health screening. Participant phenotype was not available at the time of variant classification. Additional details can be found in publication PMID: 35346344, PMCID: PMC8962531

Color Diagnostics, LLC DBA Color Health
Classification: Pathogenic for Hereditary cancer-predisposing syndrome. Last evaluated: 2023-09-06. Review status: criteria provided, single submitter. Criteria: ACMG Guidelines, 2015. Collection method: clinical testing. Allele origin: germline. Not counted in ClinVar's aggregate classification.
Comment: This variant inserts 1 nucleotide in exon 11 of the BRCA2 gene, creating a frameshift and premature translation stop signal. This variant is expected to result in an absent or non-functional protein product. This variant has been reported in multiple individuals with a personal or family history of prostate, breast, and/or ovarian cancer (PMID: 22366370, 24156927, 29446198, 33471991, DOI 10.20471/LO.2023.51.01.02). This variant has not been identified in the general population by the Genome Aggregation Database (gnomAD). Loss of BRCA2 function is a known mechanism of disease. Based on the available evidence, this variant is classified as Pathogenic.

Baylor Genetics
Classification: Pathogenic for Familial cancer of breast. Last evaluated: 2023-08-09. Review status: criteria provided, single submitter. Criteria: ACMG Guidelines, 2015. Collection method: clinical testing. Allele origin: unknown. Not counted in ClinVar's aggregate classification.

Ambry Genetics
Classification: Pathogenic for Hereditary cancer-predisposing syndrome. Last evaluated: 2022-09-20. Review status: criteria provided, single submitter. Criteria: Ambry Variant Classification Scheme 2023. Collection method: clinical testing. Allele origin: germline. Not counted in ClinVar's aggregate classification.
Comment: The c.6641dupC pathogenic mutation, located in coding exon 10 of the BRCA2 gene, results from a duplication of C at position 6641, causing a translational frameshift with a predicted alternate stop codon within coding exon 10. This mutation has been reported in multiple families with hereditary breast and/or ovarian cancer (Levanat, S et al. Gene. 2012 May 1;498(2):169-76; Novakovic, S et al. Int J Oncol. 2012 Nov;41(5):1619-27; Rebbeck TR et al. Hum. Mutat. 2018 May;39(5):593-620). In addition to the clinical data presented in the literature, this alteration is expected to result in loss of function by premature protein truncation or nonsense-mediated mRNA decay. As such, this alteration is interpreted as a disease-causing mutation.

Sema4
Classification: Pathogenic for Hereditary cancer-predisposing syndrome. Last evaluated: 2021-12-09. Review status: criteria provided, single submitter. Criteria: Sema4 Curation Guidelines. Collection method: curation. Allele origin: germline. Not counted in ClinVar's aggregate classification.
Comment: The BRCA2 c.6641dupC (p.Y2215LfsX10) variant has been reported in heterozygosity in multiple individuals with breast cancer (PMID: 22366370, 22923021, 29446198, 33471991, among others). It is also known as c.6641insC (p.Thr2214Asnfs*10) in the literature. This variant causes a frameshift at amino acid 2215 that results in premature termination 10 amino acids downstream. At this location, nonsense-mediated decay is predicted to occur, resulting in a loss of gene function. Loss of function variants in BRCA2 are known to be pathogenic (PMID: 29446198). This variant is not reported in the population database Genome Aggregation Database (PMID: 32461654), but has been reported in ClinVar (Variation ID: 38059). Based on the current evidence available, this variant is interpreted as pathogenic.

Department of Molecular Diagnostics, Institute of Oncology Ljubljana
Classification: Pathogenic for Breast-ovarian cancer, familial, susceptibility to, 1. Last evaluated: 2020-04-02. Review status: criteria provided, single submitter. Criteria: ACMG Guidelines, 2015. Collection method: clinical testing. Allele origin: germline. Affected: yes. Not counted in ClinVar's aggregate classification.

Quest Diagnostics Nichols Institute San Juan Capistrano
Classification: Pathogenic for Breast-ovarian cancer, familial, susceptibility to, 2. Last evaluated: 2015-10-10. Review status: criteria provided, single submitter. Criteria: Quest Diagnostics criteria. Collection method: clinical testing. Allele origin: germline. Inheritance: Autosomal dominant inheritance. Not counted in ClinVar's aggregate classification.

Consortium of Investigators of Modifiers of BRCA1/2 (CIMBA), c/o University of Cambridge
Classification: Pathogenic for Breast-ovarian cancer, familial, susceptibility to, 2. Last evaluated: 2015-10-02. Review status: criteria provided, single submitter. Criteria: CIMBA Mutation Classification guidelines May 2016. Collection method: clinical testing. Allele origin: germline. Not counted in ClinVar's aggregate classification.

PreventionGenetics, part of Exact Sciences
Classification: Pathogenic for BRCA2-related condition. Last evaluated: 2024-03-29. Review status: no assertion criteria provided. Collection method: clinical testing. Allele origin: germline. Not counted in ClinVar's aggregate classification.
Comment: The BRCA2 c.6641dupC variant is predicted to result in a frameshift and premature protein termination (p.Tyr2215Leufs*10). This variant was reported in individuals with breast cancer (Levanat et al. 2012. PubMed ID: 22366370; Krivokuca et al. 2021. PubMed ID: 34284872). This variant has not been reported in a large population database, indicating this variant is rare. Frameshift variants in BRCA2 are expected to be pathogenic. This variant has been interpreted as pathogenic by an expert curation panel in ClinVar. This variant is interpreted as pathogenic.

BRCAlab, Lund University
Classification: Pathogenic for Breast-ovarian cancer, familial, susceptibility to, 2. Last evaluated: 2022-08-26. Review status: no assertion criteria provided. Collection method: clinical testing. Allele origin: germline. Affected: yes. Not counted in ClinVar's aggregate classification.

Sharing Clinical Reports Project (SCRP)
Classification: Pathogenic for Breast-ovarian cancer, familial 2. Last evaluated: 2006-01-15. Review status: no assertion criteria provided. Collection method: clinical testing. Allele origin: germline. Not counted in ClinVar's aggregate classification.

Breast Cancer Information Core (BIC) (BRCA2)
Classification: Pathogenic for Breast-ovarian cancer, familial 2. Last evaluated: 2001-10-29. Review status: no assertion criteria provided. Collection method: clinical testing. Allele origin: germline. Affected: yes. Observed: 1 variant allele. Not counted in ClinVar's aggregate classification.

Literature cited by the submitters: PubMed 24156927 (cited by 4 submitters); PubMed 20104584 (cited by Labcorp Genetics (formerly Invitae), Labcorp); PubMed 22366370 (cited by 5 submitters); PubMed 22923021 (cited by Labcorp Genetics (formerly Invitae), Labcorp and Sema4); PubMed 29446198 (cited by 3 submitters); PubMed 33471991 (cited by 3 submitters); PubMed 26295337 (cited by Quest Diagnostics Nichols Institute San Juan Capistrano).